The following is an entry in ClinVar:

NM_001365276.2(TNXB):c.6819C>T (p.Pro2273=)

Gene: TNXB (tenascin XB; minus strand). Cytogenetic location: 6p21.33.
Variant type: single nucleotide variant.
Coding change: c.6819C>T on transcript NM_001365276.2 (MANE Select); coding-DNA position 6819, C replaced by T.
Protein change: p.Pro2273=; no amino-acid change (proline 2273 retained).
Molecular consequence: synonymous variant.
Genome position (GRCh38, 1-based): chr6:32,064,843, G>A on the plus strand (C>T on the coding strand, the complement: TNXB is on the minus strand). VCF-style: chr6-32064843-G-A. GRCh37 (hg19) VCF-style: chr6-32032620-G-A.
Other names: c.6819C>T, p.Pro2273= (NM_019105.8).
Identifiers: ClinVar variation 1209894 (VCV001209894.20), dbSNP rs374172438, ClinGen allele CA3734326.
Genomic context (GRCh38, chr6:32,064,843, plus strand): 5'-AGTTCAGGGCAGGGCCCAGTGCCCTACTGCACACTCACCAGTTAAACCAACAGCAGACAC[G>A]GGGCCCACGCGCTGGCCACCGTGGAAGCCGTACAGGTTCATCTTGTACTTGTGGTCTGGC-3'
Protein context (NP_001352205.1, residues 2263-2283): YGFHGGQRVG[Pro2273=]VSAVGLTAPG

ClinVar aggregate classification (germline): Benign/Likely benign. Review status: criteria provided, multiple submitters, no conflicts (2 of 4 stars). 9 submissions from 9 submitters: Benign (1); Likely benign (5). 3 of the submissions do not count toward it. Last evaluated 2026-09-01.

Conditions:
Cardiovascular phenotype. Identifiers: MedGen CN230736.
Ehlers-Danlos syndrome (EDS). Identifiers: Orphanet 98249, MedGen C0013720, MONDO:0020066.

Allele frequency attached by ClinVar (database versions not stated): gnomAD 0.00007 and 0.00017; TOPMed 0.00012; ESP Exome Variant Server 0.00013; 1000 Genomes Project 30x 0.00031; 1000 Genomes Project 0.00040; gnomAD exomes 0.00050; ExAC 0.00058.
gnomAD v4.1: 487 of 1,610,582 alleles (0.03%); highest among the groups gnomAD compares: South Asian, 0.38%; 7 homozygotes.

Submissions (9):

CeGaT Center for Human Genetics Tuebingen
Classification: Likely benign. Last evaluated: 2026-09-01. Review status: criteria provided, single submitter. Criteria: CeGaT Center For Human Genetics Tuebingen Variant Classification Criteria Version 2. Collection method: clinical testing. Allele origin: germline. Affected: yes. Observed: 3 variant alleles.
Comment: TNXB: BP4, BP7

Women's Health and Genetics/Laboratory Corporation of America, LabCorp
Classification: Likely benign. Last evaluated: 2026-02-02. Review status: criteria provided, single submitter. Criteria: LabCorp Variant Classification Summary - May 2015. Collection method: clinical testing. Allele origin: germline.

Labcorp Genetics (formerly Invitae), Labcorp
Classification: Benign. Last evaluated: 2026-01-24. Review status: criteria provided, single submitter. Criteria: Invitae Variant Classification Sherloc (09022015). Collection method: clinical testing. Allele origin: germline.

Ambry Genetics
Classification: Likely benign for Cardiovascular phenotype. Last evaluated: 2022-04-01. Review status: criteria provided, single submitter. Criteria: Ambry Variant Classification Scheme 2023. Collection method: clinical testing. Allele origin: germline.

Genome Diagnostics Laboratory, The Hospital for Sick Children
Classification: Likely benign for Ehlers-Danlos syndrome. Last evaluated: 2021-09-29. Review status: criteria provided, single submitter. Criteria: ACMG Guidelines, 2015. Collection method: clinical testing. Allele origin: germline.

GeneDx
Classification: Likely benign. Last evaluated: 2021-06-22. Review status: criteria provided, single submitter. Criteria: GeneDx Variant Classification Process June 2021. Collection method: clinical testing. Allele origin: germline. Affected: yes.

Clinical Genetics DNA and cytogenetics Diagnostics Lab, Erasmus MC, Erasmus Medical Center
Classification: Likely benign. Review status: no assertion criteria provided. Collection method: clinical testing. Allele origin: germline. Affected: yes. Study: VKGL Data-share Consensus. Not counted in ClinVar's aggregate classification.

Genome Diagnostics Laboratory, Amsterdam University Medical Center
Classification: Likely benign. Review status: no assertion criteria provided. Collection method: clinical testing. Allele origin: germline. Affected: yes. Study: VKGL Data-share Consensus. Not counted in ClinVar's aggregate classification.

Genome Diagnostics Laboratory, University Medical Center Utrecht
Classification: Likely benign. Review status: no assertion criteria provided. Collection method: clinical testing. Allele origin: germline. Affected: yes. Study: VKGL Data-share Consensus. Not counted in ClinVar's aggregate classification.